The following is an entry in ClinVar:

NM_000548.5(TSC2):c.5362T>G (p.Tyr1788Asp)

Gene: TSC2 (TSC complex subunit 2; plus strand). Cytogenetic location: 16p13.3.
Variant type: single nucleotide variant.
Coding change: c.5362T>G on transcript NM_000548.5 (MANE Select); coding-DNA position 5362, T replaced by G.
Protein change: p.Tyr1788Asp; replaces tyrosine 1788 with aspartic acid.
Molecular consequence: missense variant.
Genome position (GRCh38, 1-based): chr16:2,088,548, T>G. VCF-style: chr16-2088548-T-G. GRCh37 (hg19) VCF-style: chr16-2138549-T-G.
Other names: c.5161T>G, p.Tyr1721Asp (NM_001077183.3); c.5293T>G, p.Tyr1765Asp (NM_001114382.3); c.5053T>G, p.Tyr1685Asp (NM_001318827.2); c.5017T>G, p.Tyr1673Asp (NM_001318829.2); c.4630T>G, p.Tyr1544Asp (NM_001318831.2); c.5194T>G, p.Tyr1732Asp (NM_001318832.2); c.5164T>G, p.Tyr1722Asp (NM_001363528.2); c.5230T>G, p.Tyr1744Asp (NM_001370404.1); and 2 more; short protein forms Y1788D, Y1544D, Y1685D, Y1721D, Y1722D, Y1744D, Y1745D, Y1673D.
Identifiers: ClinVar variation 572324 (VCV000572324.20), dbSNP rs904411432, ClinGen allele CA276760060.

ClinVar aggregate classification (germline): Conflicting classifications of pathogenicity. Review status: criteria provided, conflicting classifications (1 of 4 stars). 6 submissions from 6 submitters: Uncertain significance (4); Benign (1); Likely benign (1). Last evaluated 2025-12-13.

Conditions:
Tuberous sclerosis syndrome (TSC). Also called: Tuberous sclerosis; Tuberous Sclerosis Complex. Identifiers: Orphanet 805, MedGen C0041341, MONDO:0001734.
Isolated focal cortical dysplasia type II (FCORD2). Also called: Focal cortical dysplasia type II; CORTICAL DYSPLASIA OF TAYLOR. Identifiers: Orphanet 268994, MedGen C1846385, MONDO:0011818, OMIM 607341, HP:0032051.
Lymphangiomyomatosis (LAM). Also called: Lymphangioleiomyomatosis; Lymphangioleiomyomatosis, somatic. Identifiers: Orphanet 538, MedGen C0751674, MONDO:0011705, OMIM 606690.
Tuberous sclerosis 2 (TSC2). Identifiers: Orphanet 805, MedGen C1860707, MONDO:0013199, OMIM 613254.
Hereditary cancer-predisposing syndrome. Also called: Hereditary neoplastic syndrome; Neoplastic Syndromes, Hereditary; Hereditary Cancer Syndrome; Tumor predisposition. Identifiers: Orphanet 140162, MedGen C0027672, MeSH D009386, MONDO:0015356.

Allele frequency attached by ClinVar (database versions not stated): TOPMed 0.00002; gnomAD 0.00003.
gnomAD v4.1: 3 of 1,611,772 alleles (0.00019%); highest among the groups gnomAD compares: African/African-American, 0.004%; no homozygotes.

Submissions (6):

Labcorp Genetics (formerly Invitae), Labcorp
Classification: Benign for Tuberous sclerosis 2. Last evaluated: 2025-12-13. Review status: criteria provided, single submitter. Criteria: Invitae Variant Classification Sherloc (09022015). Collection method: clinical testing. Allele origin: germline.

Ambry Genetics
Classification: Likely benign for Hereditary cancer-predisposing syndrome. Last evaluated: 2025-12-11. Review status: criteria provided, single submitter. Criteria: Ambry Variant Classification Scheme 2023. Collection method: clinical testing. Allele origin: germline.

Fulgent Genetics
Classification: Uncertain significance for Lymphangiomyomatosis; Isolated focal cortical dysplasia type II; Tuberous sclerosis 2. Last evaluated: 2024-02-28. Review status: criteria provided, single submitter. Criteria: ACMG Guidelines, 2015. Collection method: clinical testing. Allele origin: germline.

All of Us Research Program, National Institutes of Health
Classification: Uncertain significance for Tuberous sclerosis syndrome. Last evaluated: 2023-12-01. Review status: criteria provided, single submitter. Criteria: ACMG Guidelines, 2015. Collection method: clinical testing. Allele origin: germline. Inheritance: Autosomal dominant inheritance. Observed: 2 variant alleles, 2 heterozygotes.
Comment: This missense variant replaces tyrosine with aspartic acid at codon 1788 of the TSC2 protein. Computational prediction suggests that this variant may not impact protein structure and function (internally defined REVEL score threshold <= 0.5, PMID: 27666373). To our knowledge, functional studies have not been reported for this variant. This variant has not been reported in individuals affected with TSC2-related disorders in the literature. This variant has been identified in 1/31382 chromosomes in the general population by the Genome Aggregation Database (gnomAD). The available evidence is insufficient to determine the role of this variant in disease conclusively. Therefore, this variant is classified as a Variant of Uncertain Significance.

This study involves interpretation of variants in research participants for the purpose of population health screening. Participant phenotype was not available at the time of variant classification. Additional details can be found in publication PMID: 35346344, PMCID: PMC8962531

GeneDx
Classification: Uncertain significance. Last evaluated: 2023-07-21. Review status: criteria provided, single submitter. Criteria: GeneDx Variant Classification Process June 2021. Collection method: clinical testing. Allele origin: germline. Affected: yes.
Comment: In silico analysis supports that this missense variant does not alter protein structure/function; Has not been previously published as pathogenic or benign to our knowledge

Genome-Nilou Lab
Classification: Uncertain significance for Tuberous sclerosis 2. Last evaluated: 2021-11-07. Review status: criteria provided, single submitter. Criteria: ACMG Guidelines, 2015. Collection method: clinical testing. Allele origin: germline. Affected: no.